The following is an entry in ClinVar:

ClinVar aggregate classification (germline): Uncertain significance. Review status: criteria provided, multiple submitters, no conflicts (2 of 4 stars). 2 submissions from 2 submitters: Uncertain significance (2). Last evaluated 2025-04-12.

gnomAD v4.1: 14 of 1,614,088 alleles (0.00087%); highest among the groups gnomAD compares: Middle Eastern, 0.033%; no homozygotes.

Submissions (2):

Ambry Genetics
Classification: Uncertain significance. Last evaluated: 2025-04-12. Review status: criteria provided, single submitter. Criteria: Ambry Variant Classification Scheme 2023. Collection method: clinical testing. Allele origin: germline.

Labcorp Genetics (formerly Invitae), Labcorp
Classification: Uncertain significance. Last evaluated: 2025-02-15. Review status: criteria provided, single submitter. Criteria: Invitae Variant Classification Sherloc (09022015). Collection method: clinical testing. Allele origin: germline.
Comment: This sequence change replaces threonine, which is neutral and polar, with methionine, which is neutral and non-polar, at codon 65 of the CEP89 protein (p.Thr65Met). This variant is present in population databases (rs747382680, gnomAD 0.006%). This variant has not been reported in the literature in individuals affected with CEP89-related conditions. An algorithm developed to predict the effect of missense changes on protein structure and function (PolyPhen-2) suggests that this variant is likely to be disruptive. In summary, the available evidence is currently insufficient to determine the role of this variant in disease. Therefore, it has been classified as a Variant of Uncertain Significance.

NM_032816.5(CEP89):c.194C>T (p.Thr65Met)

Gene: CEP89 (centrosomal protein 89; minus strand). Cytogenetic location: 19q13.11.
Variant type: single nucleotide variant.
Coding change: c.194C>T on transcript NM_032816.5 (MANE Select); coding-DNA position 194, C replaced by T.
Protein change: p.Thr65Met; replaces threonine 65 with methionine.
Molecular consequence: missense variant.
Genome position (GRCh38, 1-based): chr19:32,960,011, G>A on the plus strand (C>T on the coding strand, the complement: CEP89 is on the minus strand). VCF-style: chr19-32960011-G-A. GRCh37 (hg19) VCF-style: chr19-33450917-G-A.
Other names: short protein forms T65M.
Identifiers: ClinVar variation 4001198 (VCV004001198.2).